The following is an entry in ClinVar:

NM_000901.5(NR3C2):c.2182T>C (p.Ser728Pro)

Gene: NR3C2 (nuclear receptor subfamily 3 group C member 2; minus strand). Cytogenetic location: 4q31.23.
Variant type: single nucleotide variant.
Coding change: c.2182T>C on transcript NM_000901.5 (MANE Select); coding-DNA position 2182, T replaced by C.
Protein change: p.Ser728Pro; replaces serine 728 with proline.
Molecular consequence: missense variant. On other transcripts: intron variant (2).
Genome position (GRCh38, 1-based): chr4:148,154,734, A>G on the plus strand (T>C on the coding strand, the complement: NR3C2 is on the minus strand). VCF-style: chr4-148154734-A-G. GRCh37 (hg19) VCF-style: chr4-149075885-A-G.
Other names: c.2015-2121T>C (NM_001354819.1, NM_001166104.2); short protein forms S728P.
Identifiers: ClinVar variation 3921660 (VCV003921660.2).

ClinVar aggregate classification (germline): Uncertain significance. Review status: criteria provided, multiple submitters, no conflicts (2 of 4 stars). 2 submissions from 2 submitters: Uncertain significance (2). Last evaluated 2025-12-26.

Conditions:
Inborn genetic diseases. Identifiers: MedGen C0950123, MeSH D030342.

gnomAD v4.1: 21 of 1,578,358 alleles (0.0013%); highest among the groups gnomAD compares: Non-Finnish European, 0.0017%; no homozygotes.

Submissions (2):

Women's Health and Genetics/Laboratory Corporation of America, LabCorp
Classification: Uncertain significance. Last evaluated: 2025-12-26. Review status: criteria provided, single submitter. Criteria: LabCorp Variant Classification Summary - May 2015. Collection method: clinical testing. Allele origin: germline.
Comment: Variant summary: NR3C2 c.2182T>C (p.Ser728Pro) results in a non-conservative amino acid change in the encoded protein sequence. Algorithms developed to predict the effect of missense changes on protein structure and function are either unavailable or do not agree on the potential impact of this missense change. The variant allele was found at a frequency of 2.4e-05 in 251338 control chromosomes. The available data on variant occurrences in the general population are insufficient to allow any conclusion about variant significance. To our knowledge, no occurrence of c.2182T>C in individuals affected with NR3C2-related conditions and no experimental evidence demonstrating its impact on protein function have been reported. ClinVar contains an entry for this variant (Variation ID: 3921660). Based on the evidence outlined above, the variant was classified as uncertain significance.

Ambry Genetics
Classification: Uncertain significance for Inborn genetic diseases. Last evaluated: 2025-04-10. Review status: criteria provided, single submitter. Criteria: Ambry Variant Classification Scheme 2023. Collection method: clinical testing. Allele origin: germline.